The following is an entry in ClinVar:

NM_002772.3(TMPRSS15):c.2927T>C (p.Met976Thr)

Gene: TMPRSS15 (transmembrane serine protease 15; minus strand). Cytogenetic location: 21q21.1.
Variant type: single nucleotide variant.
Coding change: c.2927T>C on transcript NM_002772.3 (MANE Select); coding-DNA position 2927, T replaced by C.
Protein change: p.Met976Thr; replaces methionine 976 with threonine.
Molecular consequence: missense variant.
Genome position (GRCh38, 1-based): chr21:18,270,102, A>G on the plus strand (T>C on the coding strand, the complement: TMPRSS15 is on the minus strand). VCF-style: chr21-18270102-A-G. GRCh37 (hg19) VCF-style: chr21-19642419-A-G.
Other names: short protein forms M976T.
Identifiers: ClinVar variation 2540386 (VCV002540386.4), dbSNP rs778411173, ClinGen allele CA409847215.
Genomic context (GRCh38, chr21:18,270,102, plus strand): 5'-GCACACTTGTATCCAAATGAGGTCACACCAGCAAGGAACCACCTGTTGTTTTCTTGGCAC[A>G]TTAATGGTCCTCCTGAATCCCCCTAAAGAGTGAATTGCAAAACAAAATTGTAGATATGTG-3'
Protein context (NP_002763.3, residues 966-986): SCQGDSGGPL[Met976Thr]CQENNRWFLA

ClinVar aggregate classification (germline): Uncertain significance. Review status: criteria provided, multiple submitters, no conflicts (2 of 4 stars). 2 submissions from 2 submitters: Uncertain significance (2). Last evaluated 2023-10-13.

Allele frequency attached by ClinVar (database versions not stated): TOPMed 0.00002.
gnomAD v4.1: 3 of 1,614,054 alleles (0.00019%); highest among the groups gnomAD compares: Non-Finnish European, 0.00025%; no homozygotes.

Submissions (2):

Labcorp Genetics (formerly Invitae), Labcorp
Classification: Uncertain significance. Last evaluated: 2023-10-13. Review status: criteria provided, single submitter. Criteria: Invitae Variant Classification Sherloc (09022015). Collection method: clinical testing. Allele origin: germline.
Comment: This sequence change replaces methionine, which is neutral and non-polar, with threonine, which is neutral and polar, at codon 976 of the TMPRSS15 protein (p.Met976Thr). This variant is present in population databases (no rsID available, gnomAD 0.003%). This variant has not been reported in the literature in individuals affected with TMPRSS15-related conditions. ClinVar contains an entry for this variant (Variation ID: 2540386). Algorithms developed to predict the effect of missense changes on protein structure and function output the following: SIFT: "Not Available"; PolyPhen-2: "Benign"; Align-GVGD: "Not Available". The threonine amino acid residue is found in multiple mammalian species, which suggests that this missense change does not adversely affect protein function. In summary, the available evidence is currently insufficient to determine the role of this variant in disease. Therefore, it has been classified as a Variant of Uncertain Significance.

Ambry Genetics
Classification: Uncertain significance. Last evaluated: 2023-04-25. Review status: criteria provided, single submitter. Criteria: Ambry Variant Classification Scheme 2023. Collection method: clinical testing. Allele origin: germline.